The following is an entry in ClinVar:

NM_000222.3(KIT):c.1541-5T>C

Gene: KIT (KIT proto-oncogene, receptor tyrosine kinase; plus strand). Cytogenetic location: 4q12.
Variant type: single nucleotide variant.
Coding change: c.1541-5T>C on transcript NM_000222.3 (MANE Select); 5 bases into the intron before coding-DNA position 1541, T replaced by C.
Molecular consequence: intron variant.
Genome position (GRCh38, 1-based): chr4:54,727,213, T>C. VCF-style: chr4-54727213-T-C. GRCh37 (hg19) VCF-style: chr4-55593379-T-C.
Other names: c.1541-5T>C (NM_000222.2, NM_001385285.1); c.1544-5T>C (NM_001385284.1, NM_001385290.1); c.1532-5T>C (NM_001385288.1, NM_001385292.1); c.1529-5T>C (NM_001093772.2, NM_001385286.1).
Identifiers: ClinVar variation 1642168 (VCV001642168.11), dbSNP rs1722278741, ClinGen allele CA1062688497.
Genomic context (GRCh38, chr4:54,727,213, plus strand): 5'-GAGTGGCTGTGGTAGAGATCCCATCCTGCCAAAGTTTGTGATTCCACATTTCTCTTCCAT[T>C]GTAGAGCAAATCCATCCCCACACCCTGTTCACTCCTTTGCTGATTGGTTTCGTAATCGTA-3'

ClinVar aggregate classification (germline): Conflicting classifications of pathogenicity. Review status: criteria provided, conflicting classifications (1 of 4 stars). 3 submissions from 3 submitters: Uncertain significance (1); Likely benign (1). 1 of the submissions does not count toward it. Last evaluated 2026-02-19.

Conditions:
Hereditary cancer-predisposing syndrome. Also called: Neoplastic Syndromes, Hereditary; Tumor predisposition; Hereditary Cancer Syndrome; Hereditary neoplastic syndrome. Identifiers: Orphanet 140162, MedGen C0027672, MeSH D009386, MONDO:0015356.
Gastrointestinal stromal tumor. Also called: Gastrointestinal stromal tumor, somatic; Gastrointestinal stroma tumor. Identifiers: Orphanet 44890, MedGen C0238198, MeSH D046152, MONDO:0011719, OMIM 606764, HP:0100723.
KIT-related disorder. Also called: KIT-related condition.

Allele frequency attached by ClinVar (database versions not stated): gnomAD exomes below 0.00001; TOPMed below 0.00001; gnomAD 0.00001.
gnomAD v4.1: 4 of 1,613,240 alleles (0.00025%); highest among the groups gnomAD compares: Non-Finnish European, 0.00034%; no homozygotes.

Submissions (3):

Ambry Genetics
Classification: Uncertain significance for Hereditary cancer-predisposing syndrome. Last evaluated: 2026-02-19. Review status: criteria provided, single submitter. Criteria: Ambry Variant Classification Scheme 2023. Collection method: clinical testing. Allele origin: germline.
Comment: The c.1541-5T>C intronic variant results from a T to C substitution 5 nucleotides upstream from coding exon 10 in the KIT gene. This nucleotide position is well conserved in available vertebrate species. In silico splice site analysis predicts that this alteration will not have any significant effect on splicing. Based on the available evidence, the clinical significance of this variant remains unclear.

Labcorp Genetics (formerly Invitae), Labcorp
Classification: Likely benign for Gastrointestinal stromal tumor. Last evaluated: 2025-12-01. Review status: criteria provided, single submitter. Criteria: Invitae Variant Classification Sherloc (09022015). Collection method: clinical testing. Allele origin: germline.

PreventionGenetics, part of Exact Sciences
Classification: Likely benign for KIT-related condition. Last evaluated: 2022-06-07. Review status: no assertion criteria provided. Collection method: clinical testing. Allele origin: germline. Not counted in ClinVar's aggregate classification.
Comment: This variant is classified as likely benign based on ACMG/AMP sequence variant interpretation guidelines (Richards et al. 2015 PMID: 25741868, with internal and published modifications).